The following is an entry in ClinVar:

ClinVar aggregate classification (germline): Conflicting classifications of pathogenicity. Review status: criteria provided, conflicting classifications (1 of 4 stars). 4 submissions from 4 submitters: Uncertain significance (3); Likely benign (1). Last evaluated 2025-01-25.

Conditions:
Monosomy 7 myelodysplasia and leukemia syndrome 1. Also called: Monosomy 7 of bone marrow; Familial Mosaic Monosomy 7 Syndrome; CHROMOSOME 7q DELETION. Identifiers: MedGen C1854978, MONDO:0009646, OMIM 252270.
Ataxia-pancytopenia syndrome (ATXPC). Also called: SAMD9L-Related Syndrome; SAMD9L Ataxia-Pancytopenia Syndrome. Identifiers: Orphanet 2585, MedGen C1327919, MONDO:0008038, OMIM 159550.
Spinocerebellar ataxia 49 (SCA49). Identifiers: Orphanet 631106, MedGen C5676950, MONDO:0030805, OMIM 619806.
Inborn genetic diseases. Identifiers: MedGen C0950123, MeSH D030342.

Allele frequency attached by ClinVar (database versions not stated): gnomAD exomes below 0.00001 and 0.00001; ExAC 0.00001; gnomAD 0.00002; TOPMed 0.00002; ESP Exome Variant Server 0.00008.
gnomAD v4.1: 8 of 1,613,232 alleles (0.0005%); highest among the groups gnomAD compares: Middle Eastern, 0.033%; no homozygotes.

Submissions (4):

Ambry Genetics
Classification: Likely benign for Inborn genetic diseases. Last evaluated: 2025-01-25. Review status: criteria provided, single submitter. Criteria: Ambry Variant Classification Scheme 2023. Collection method: clinical testing. Allele origin: germline.

Blueprint Genetics
Classification: Uncertain significance. Last evaluated: 2024-10-11. Review status: criteria provided, single submitter. Criteria: ACMG Guidelines, 2015. Collection method: clinical testing. Allele origin: germline.

Labcorp Genetics (formerly Invitae), Labcorp
Classification: Uncertain significance. Last evaluated: 2024-08-10. Review status: criteria provided, single submitter. Criteria: Invitae Variant Classification Sherloc (09022015). Collection method: clinical testing. Allele origin: germline.
Comment: This sequence change replaces isoleucine, which is neutral and non-polar, with threonine, which is neutral and polar, at codon 1549 of the SAMD9L protein (p.Ile1549Thr). The frequency data for this variant in the population databases is considered unreliable, as metrics indicate poor data quality at this position in the gnomAD database. This variant has not been reported in the literature in individuals affected with SAMD9L-related conditions. ClinVar contains an entry for this variant (Variation ID: 1520277). Advanced modeling of protein sequence and biophysical properties (such as structural, functional, and spatial information, amino acid conservation, physicochemical variation, residue mobility, and thermodynamic stability) performed at Invitae indicates that this missense variant is not expected to disrupt SAMD9L protein function with a negative predictive value of 80%. In summary, the available evidence is currently insufficient to determine the role of this variant in disease. Therefore, it has been classified as a Variant of Uncertain Significance.

Fulgent Genetics
Classification: Uncertain significance for Ataxia-pancytopenia syndrome; Monosomy 7 myelodysplasia and leukemia syndrome 1; Spinocerebellar ataxia 49. Last evaluated: 2024-01-04. Review status: criteria provided, single submitter. Criteria: ACMG Guidelines, 2015. Collection method: clinical testing. Allele origin: germline.

NM_152703.5(SAMD9L):c.4646T>C (p.Ile1549Thr)

Gene: SAMD9L (sterile alpha motif domain containing 9 like; minus strand). Cytogenetic location: 7q21.2.
Variant type: single nucleotide variant.
Coding change: c.4646T>C on transcript NM_152703.5 (MANE Select); coding-DNA position 4646, T replaced by C.
Protein change: p.Ile1549Thr; replaces isoleucine 1549 with threonine.
Molecular consequence: missense variant.
Genome position (GRCh38, 1-based): chr7:93,131,326, A>G on the plus strand (T>C on the coding strand, the complement: SAMD9L is on the minus strand). VCF-style: chr7-93131326-A-G. GRCh37 (hg19) VCF-style: chr7-92760639-A-G.
Other names: c.4646T>C, p.Ile1549Thr (NM_001303496.3, NM_001303497.3, NM_001303498.3 and 5 more transcripts); c.4646T>C (NM_152703.2); short protein forms I1549T.
Identifiers: ClinVar variation 1520277 (VCV001520277.9), dbSNP rs376491227, ClinGen allele CA4343263.
Genomic context (GRCh38, chr7:93,131,326, plus strand): 5'-AGGTAGAAAGACACTCTTTCTATGTTCCTACCACTTCTGAGTGGACCTGAATAAACAGAT[A>G]TTACTGGTATTTTTATTTTTTCCTCTGTTCCATATTCTACAGAGATTAGCTTGCCTTCAG-3'
Protein context (NP_689916.2, residues 1539-1559): GTEEKIKIPV[Ile1549Thr]SVYSGPLRSG